The following is an entry in ClinVar:

ClinVar aggregate classification (germline): Uncertain significance (1 of 4 stars; one submission).

Conditions:
Emery-Dreifuss muscular dystrophy 4, autosomal dominant (EDMD4). Also called: EMERY-DREIFUSS MUSCULAR DYSTROPHY 4 WITH VARIABLE FEATURES. Identifiers: Orphanet 261, MedGen C2751807, MONDO:0013071, OMIM 612998.
Autosomal recessive ataxia, Beauce type. Also called: SYNE1 Deficiency; Spinocerebellar ataxia, autosomal recessive 8; ATAXIA, RECESSIVE, OF BEAUCE; SYNE1-Related Autosomal Recessive Cerebellar Ataxia. Identifiers: Orphanet 88644, MedGen C1853116, MONDO:0012549, OMIM 610743.

Allele frequency attached by ClinVar (database versions not stated): gnomAD exomes below 0.00001.
gnomAD v4.1: 1 of 1,614,174 alleles (0.000062%); highest among the groups gnomAD compares: Non-Finnish European, 0.000085%; no homozygotes.

Submission:

Labcorp Genetics (formerly Invitae), Labcorp
Classification: Uncertain significance for Emery-Dreifuss muscular dystrophy 4, autosomal dominant; Autosomal recessive ataxia, Beauce type. Last evaluated: 2022-02-18. Review status: criteria provided, single submitter. Criteria: Invitae Variant Classification Sherloc (09022015). Collection method: clinical testing. Allele origin: germline.
Comment: This variant has not been reported in the literature in individuals affected with SYNE1-related conditions. This sequence change replaces serine, which is neutral and polar, with proline, which is neutral and non-polar, at codon 1193 of the SYNE1 protein (p.Ser1193Pro). This variant is not present in population databases (gnomAD no frequency). Algorithms developed to predict the effect of missense changes on protein structure and function are either unavailable or do not agree on the potential impact of this missense change (SIFT: "Deleterious"; PolyPhen-2: "Possibly Damaging"; Align-GVGD: "Class C0"). In summary, the available evidence is currently insufficient to determine the role of this variant in disease. Therefore, it has been classified as a Variant of Uncertain Significance.

NM_182961.4(SYNE1):c.3556T>C (p.Ser1186Pro)

Gene: SYNE1 (spectrin repeat containing nuclear envelope protein 1; minus strand). Cytogenetic location: 6q25.2.
Variant type: single nucleotide variant.
Coding change: c.3556T>C on transcript NM_182961.4 (MANE Select); coding-DNA position 3556, T replaced by C.
Protein change: p.Ser1186Pro; replaces serine 1186 with proline.
Molecular consequence: missense variant.
Genome position (GRCh38, 1-based): chr6:152,447,571, A>G on the plus strand (T>C on the coding strand, the complement: SYNE1 is on the minus strand). VCF-style: chr6-152447571-A-G. GRCh37 (hg19) VCF-style: chr6-152768706-A-G.
Other names: c.3577T>C, p.Ser1193Pro (NM_033071.5); short protein forms S1193P, S1186P.
Identifiers: ClinVar variation 2098994 (VCV002098994.4), dbSNP rs2500827674, ClinGen allele CA366148510.
Genomic context (GRCh38, chr6:152,447,571, plus strand): 5'-CATCTCCCTGCTTTTGGGCTTCATTCTCAGAAGAAACTTCTGTCAAAACTTTCAGCCTGG[A>G]TTTCAGCCAGCTGAGGGTCTCACCCCTTTTGGTAACACCATTTCTGATCTCCTGAAATGA-3'
Protein context (NP_892006.3, residues 1176-1196): KRGETLSWLK[Ser1186Pro]RLKVLTEVSS